The following is an entry in ClinVar:

ClinVar aggregate classification (germline): Uncertain significance (1 of 4 stars; one submission).

Submission:

Labcorp Genetics (formerly Invitae), Labcorp
Classification: Uncertain significance. Last evaluated: 2022-03-23. Review status: criteria provided, single submitter. Criteria: Invitae Variant Classification Sherloc (09022015). Collection method: clinical testing. Allele origin: germline.
Comment: This sequence change replaces alanine, which is neutral and non-polar, with aspartic acid, which is acidic and polar, at codon 208 of the DLL3 protein (p.Ala208Asp). This variant is present in population databases (no rsID available, gnomAD 1.1%). This variant has not been reported in the literature in individuals affected with DLL3-related conditions. Algorithms developed to predict the effect of missense changes on protein structure and function are either unavailable or do not agree on the potential impact of this missense change (SIFT: "Not Available"; PolyPhen-2: "Benign"; Align-GVGD: "Not Available"). In summary, the available evidence is currently insufficient to determine the role of this variant in disease. Therefore, it has been classified as a Variant of Uncertain Significance.

NM_203486.3(DLL3):c.623_624delinsAC (p.Ala208Asp)

Genes: DLL3 (delta like canonical Notch ligand 3; plus strand), LOC130064417 (ATAC-STARR-seq lymphoblastoid silent region 10608; plus strand). Cytogenetic location: 19q13.2.
Variant type: Indel.
Coding change: c.623_624delinsAC on transcript NM_203486.3 (MANE Select); coding-DNA positions 623 to 624, CA replaced by AC.
Protein change: p.Ala208Asp; replaces alanine 208 with aspartic acid.
Molecular consequence: missense variant.
Genome position (GRCh38, 1-based): chr19:39,503,028-39,503,029, CA replaced by AC. VCF-style: chr19-39503028-CA-AC. GRCh37 (hg19) VCF-style: chr19-39993668-CA-AC.
Other names: c.623_624delinsAC, p.Ala208Asp (NM_016941.4); short protein forms A208D.
Identifiers: ClinVar variation 1424226 (VCV001424226.5), dbSNP rs2144759696, ClinGen allele CA2573156363.